The following is an entry in ClinVar:

ClinVar aggregate classification (germline): Conflicting classifications of pathogenicity. Review status: criteria provided, conflicting classifications (1 of 4 stars). 5 submissions from 5 submitters: Uncertain significance (4); Likely benign (1). Last evaluated 2026-07-01.

Conditions:
Microcephaly 7, primary, autosomal recessive. Identifiers: Orphanet 2512, MedGen C2675187, MONDO:0012989, OMIM 612703.

Allele frequency attached by ClinVar (database versions not stated): gnomAD exomes 0.00043 and 0.00063; TOPMed 0.00025; gnomAD 0.00035 and 0.00038; ExAC 0.00036; ESP Exome Variant Server 0.00038.
gnomAD v4.1: 956 of 1,613,964 alleles (0.059%); highest among the groups gnomAD compares: Non-Finnish European, 0.078%; 1 homozygote.

Submissions (5):

CeGaT Center for Human Genetics Tuebingen
Classification: Likely benign. Last evaluated: 2026-07-01. Review status: criteria provided, single submitter. Criteria: CeGaT Center For Human Genetics Tuebingen Variant Classification Criteria Version 2. Collection method: clinical testing. Allele origin: germline. Affected: yes. Observed: 3 variant alleles.
Comment: STIL: BP4

GeneDx
Classification: Uncertain significance. Last evaluated: 2022-02-28. Review status: criteria provided, single submitter. Criteria: GeneDx Variant Classification Process June 2021. Collection method: clinical testing. Allele origin: germline. Affected: yes.
Comment: In silico analysis supports that this missense variant has a deleterious effect on protein structure/function; Has not been previously published as pathogenic or benign to our knowledge; This variant is associated with the following publications: (PMID: 23772360)

Fulgent Genetics
Classification: Uncertain significance for Microcephaly 7, primary, autosomal recessive. Last evaluated: 2021-12-03. Review status: criteria provided, single submitter. Criteria: ACMG Guidelines, 2015. Collection method: clinical testing. Allele origin: unknown.

Illumina Laboratory Services, Illumina
Classification: Uncertain significance for Microcephaly 7, primary, autosomal recessive. Last evaluated: 2018-01-12. Review status: criteria provided, single submitter. Criteria: ICSL Variant Classification Criteria 13 December 2019. Collection method: clinical testing. Allele origin: germline.

Genetic Services Laboratory, University of Chicago
Classification: Uncertain significance for Microcephaly 7, primary, autosomal recessive. Last evaluated: 2013-02-08. Review status: criteria provided, single submitter. Criteria: ACMG Guidelines, 2007. Collection method: clinical testing. Allele origin: germline. Inheritance: Autosomal recessive inheritance.

NM_001048166.1(STIL):c.467A>G (p.His156Arg)

Gene: STIL (STIL centriolar assembly protein; minus strand). Cytogenetic location: 1p33.
Variant type: single nucleotide variant.
Coding change: c.467A>G on transcript NM_001048166.1 (MANE Select); coding-DNA position 467, A replaced by G.
Protein change: p.His156Arg; replaces histidine 156 with arginine.
Molecular consequence: missense variant.
Genome position (GRCh38, 1-based): chr1:47,300,139, T>C on the plus strand (A>G on the coding strand, the complement: STIL is on the minus strand). VCF-style: chr1-47300139-T-C. GRCh37 (hg19) VCF-style: chr1-47765811-T-C.
Other names: c.467A>G, p.His156Arg (NM_001282936.1, NM_001282937.1, NM_001282938.1 and 2 more transcripts); short protein forms H156R.
Identifiers: ClinVar variation 160068 (VCV000160068.50), dbSNP rs141352790, ClinGen allele CA272691.